The following is an entry in ClinVar:

NM_024529.5(CDC73):c.206T>C (p.Leu69Pro)

Gene: CDC73 (cell division cycle 73; plus strand). Cytogenetic location: 1q31.2.
Variant type: single nucleotide variant.
Coding change: c.206T>C on transcript NM_024529.5 (MANE Select); coding-DNA position 206, T replaced by C.
Protein change: p.Leu69Pro; replaces leucine 69 with proline.
Molecular consequence: missense variant.
Genome position (GRCh38, 1-based): chr1:193,125,186, T>C. VCF-style: chr1-193125186-T-C. GRCh37 (hg19) VCF-style: chr1-193094316-T-C.
Other names: short protein forms L69P.
Identifiers: ClinVar variation 1785366 (VCV001785366.2), dbSNP rs2527289542, ClinGen allele CA343973195.

ClinVar aggregate classification (germline): Uncertain significance (1 of 4 stars; one submission).

Conditions:
Hereditary cancer-predisposing syndrome. Also called: Neoplastic Syndromes, Hereditary; Tumor predisposition; Hereditary Cancer Syndrome; Hereditary neoplastic syndrome. Identifiers: Orphanet 140162, MedGen C0027672, MeSH D009386, MONDO:0015356.

Submission:

Ambry Genetics
Classification: Uncertain significance for Hereditary cancer-predisposing syndrome. Last evaluated: 2020-11-13. Review status: criteria provided, single submitter. Criteria: Ambry Variant Classification Scheme 2023. Collection method: clinical testing. Allele origin: germline.
Comment: The p.L69P variant (also known as c.206T>C), located in coding exon 2 of the CDC73 gene, results from a T to C substitution at nucleotide position 206. The leucine at codon 69 is replaced by proline, an amino acid with similar properties. This amino acid position is highly conserved in available vertebrate species. In addition, this alteration is predicted to be deleterious by in silico analysis. Since supporting evidence is limited at this time, the clinical significance of this alteration remains unclear.